The following is an entry in ClinVar:

ClinVar aggregate classification (germline): Pathogenic (1 of 4 stars; one submission).

Conditions:
Parathyroid carcinoma (PRTC). Also called: Parathyroid gland carcinoma; CDC73-Related Parathyroid Carcinoma. Identifiers: Orphanet 143, MedGen C0687150, MONDO:0012004, OMIM 608266, HP:0006780.

Submission:

Labcorp Genetics (formerly Invitae), Labcorp
Classification: Pathogenic for Parathyroid carcinoma. Last evaluated: 2017-09-18. Review status: criteria provided, single submitter. Criteria: Invitae Variant Classification Sherloc (09022015). Collection method: clinical testing. Allele origin: germline.
Comment: This sequence change creates a premature translational stop signal (p.Pro351Glnfs*13) in the CDC73 gene. It is expected to result in an absent or disrupted protein product. This variant is not present in population databases (ExAC no frequency). This variant has not been reported in the literature in individuals with CDC73-related disease. Loss-of-function variants in CDC73 are known to be pathogenic (PMID: 12434154). For these reasons, this variant has been classified as Pathogenic.

Literature cited by the submitters: PubMed 12434154.

NM_024529.5(CDC73):c.1052del (p.Pro351fs)

Gene: CDC73 (cell division cycle 73; plus strand). Cytogenetic location: 1q31.2.
Variant type: Deletion.
Coding change: c.1052del on transcript NM_024529.5 (MANE Select); coding-DNA position 1052, one base deleted (C; older notation c.1052delC).
Protein change: p.Pro351fs; shifts the reading frame from proline 351.
Molecular consequence: frameshift variant.
Genome position (GRCh38, 1-based): chr1:193,212,086, C deleted; the last of 5 consecutive C bases (chr1:193,212,082-193,212,086); deleting any one gives the same sequence. VCF-style (leftmost placement, unchanged base first): chr1-193212081-TC-T. GRCh37 (hg19) VCF-style: chr1-193181211-TC-T.
Other names: c.1052delC (NM_024529.4); short protein forms P351fs.
Identifiers: ClinVar variation 462737 (VCV000462737.7), dbSNP rs1553288362, ClinGen allele CA658656978.
Genomic context (GRCh38, chr1:193,212,081, plus strand): 5'-TGGTTTTTATGACACAGAGTTGTGATTTTTTTTCTTTTTCACAGTTTCTCAAGCAAGACC[TC>T]CCCCAAATCAGAAGAAAGGTGAGGTTGTGCATATGATTTTAAACTTAACTTTAAAAAGTA-3'